The following is an entry in ClinVar:

ClinVar aggregate classification (germline): Conflicting classifications of pathogenicity. Review status: criteria provided, conflicting classifications (1 of 4 stars). 3 submissions from 3 submitters: Uncertain significance (1); Likely benign (2). Last evaluated 2025-12-01.

Allele frequency attached by ClinVar (database versions not stated): gnomAD 0.00001; TOPMed 0.00001; ExAC 0.00006; ESP Exome Variant Server 0.00008.

Submissions (3):

CeGaT Center for Human Genetics Tuebingen
Classification: Likely benign. Last evaluated: 2025-12-01. Review status: criteria provided, single submitter. Criteria: CeGaT Center For Human Genetics Tuebingen Variant Classification Criteria Version 2. Collection method: clinical testing. Allele origin: germline. Affected: yes. Observed: 1 variant allele.
Comment: CHRNB2: BP4

GeneDx
Classification: Uncertain significance. Last evaluated: 2024-09-23. Review status: criteria provided, single submitter. Criteria: GeneDx Variant Classification Process June 2021. Collection method: clinical testing. Allele origin: germline. Affected: yes.
Comment: Not observed at significant frequency in large population cohorts (gnomAD); Nucleotide is not conserved across species and the substitution has no predicted effect on splicing; Has not been previously published as pathogenic or benign to our knowledge; Located in a regulatory region; in the absence of functional studies, the actual effect of this sequence change is unknown

Blueprint Genetics
Classification: Likely benign. Last evaluated: 2024-03-25. Review status: criteria provided, single submitter. Criteria: ACMG Guidelines, 2015. Collection method: clinical testing. Allele origin: germline.

NM_000748.3(CHRNB2):c.-3G>A

Genes: CHRNB2 (cholinergic receptor nicotinic beta 2 subunit; plus strand), LOC129931511 (ATAC-STARR-seq lymphoblastoid silent region 1363; plus strand). Cytogenetic location: 1q21.3.
Variant type: single nucleotide variant.
Coding change: c.-3G>A on transcript NM_000748.3 (MANE Select); 3 bases upstream of the start codon, G replaced by A.
Molecular consequence: 5 prime UTR variant.
Genome position (GRCh38, 1-based): chr1:154,568,042, G>A. VCF-style: chr1-154568042-G-A. GRCh37 (hg19) VCF-style: chr1-154540518-G-A.
Identifiers: ClinVar variation 1878774 (VCV001878774.8), dbSNP rs373054422, ClinGen allele CA1130590.